The following is an entry in ClinVar:

NM_001365480.1(CCDC88A):c.5231A>G (p.Tyr1744Cys)

Gene: CCDC88A (coiled-coil and HOOK domain protein 88A; minus strand). Cytogenetic location: 2p16.1.
Variant type: single nucleotide variant.
Coding change: c.5231A>G on transcript NM_001365480.1 (MANE Select); coding-DNA position 5231, A replaced by G.
Protein change: p.Tyr1744Cys; replaces tyrosine 1744 with cysteine.
Molecular consequence: missense variant. On other transcripts: intron variant (1).
Genome position (GRCh38, 1-based): chr2:55,295,917, T>C on the plus strand (A>G on the coding strand, the complement: CCDC88A is on the minus strand). VCF-style: chr2-55295917-T-C. GRCh37 (hg19) VCF-style: chr2-55523053-T-C.
Other names: c.5147A>G, p.Tyr1716Cys (NM_018084.5); c.5195+33A>G (NM_001254943.2); c.5228A>G, p.Tyr1743Cys (NM_001135597.2); c.5228A>G (NM_001135597.1); short protein forms Y1744C, Y1716C, Y1743C.
Identifiers: ClinVar variation 1980106 (VCV001980106.5), dbSNP rs1225703949, ClinGen allele CA346911921.
Genomic context (GRCh38, chr2:55,295,917, plus strand): 5'-GTATCTTCAGTTTTTCGAGGACCAGGTCTCAAAAACTCAGGCTTAGTTGTCCGTCTATCA[T>C]AGAAGTCCCCTGGGGTTTTTCCACTTACTGACCTGGCCAGACCACAGCTAACTGGTTTGT-3'
Protein context (NP_001352409.1, residues 1734-1754): SVSGKTPGDF[Tyr1744Cys]DRRTTKPEFL

ClinVar aggregate classification (germline): Uncertain significance. Review status: criteria provided, multiple submitters, no conflicts (2 of 4 stars). 2 submissions from 2 submitters: Uncertain significance (2). Last evaluated 2025-08-22.

Allele frequency attached by ClinVar (database versions not stated): gnomAD exomes below 0.00001; TOPMed below 0.00001; gnomAD 0.00001.
gnomAD v4.1: 7 of 1,614,052 alleles (0.00043%); highest among the groups gnomAD compares: East Asian, 0.0022%; no homozygotes.

Submissions (2):

Ambry Genetics
Classification: Uncertain significance. Last evaluated: 2025-08-22. Review status: criteria provided, single submitter. Criteria: Ambry Variant Classification Scheme 2023. Collection method: clinical testing. Allele origin: germline.

Labcorp Genetics (formerly Invitae), Labcorp
Classification: Uncertain significance. Last evaluated: 2022-08-15. Review status: criteria provided, single submitter. Criteria: Invitae Variant Classification Sherloc (09022015). Collection method: clinical testing. Allele origin: germline.
Comment: This sequence change replaces tyrosine, which is neutral and polar, with cysteine, which is neutral and slightly polar, at codon 1743 of the CCDC88A protein (p.Tyr1743Cys). This variant is present in population databases (no rsID available, gnomAD 0.006%). This variant has not been reported in the literature in individuals affected with CCDC88A-related conditions. Algorithms developed to predict the effect of missense changes on protein structure and function output the following: SIFT: "Tolerated"; PolyPhen-2: "Benign"; Align-GVGD: "Class C0". The cysteine amino acid residue is found in multiple mammalian species, which suggests that this missense change does not adversely affect protein function. In summary, the available evidence is currently insufficient to determine the role of this variant in disease. Therefore, it has been classified as a Variant of Uncertain Significance.